The following is an entry in ClinVar:

ClinVar aggregate classification (germline): Uncertain significance (1 of 4 stars; one submission).

Conditions:
Progressive sclerosing poliodystrophy (MTDPS4A). Also called: Mitochondrial DNA Depletion Syndrome 4A; ALPERS PROGRESSIVE INFANTILE POLIODYSTROPHY; NEURONAL DEGENERATION OF CHILDHOOD WITH LIVER DISEASE, PROGRESSIVE; Mitochondrial DNA depletion syndrome 4A (Alpers type); Alpers Syndrome; ALPERS DIFFUSE DEGENERATION OF CEREBRAL GRAY MATTER WITH HEPATIC CIRRHOSIS. Identifiers: Orphanet 726, MedGen C0205710, MONDO:0008758, OMIM 203700.

Allele frequency attached by ClinVar (database versions not stated): gnomAD exomes below 0.00001; gnomAD 0.00001.
gnomAD v4.1: 4 of 1,614,092 alleles (0.00025%); highest among the groups gnomAD compares: Admixed American, 0.0017%; no homozygotes.

Submission:

Labcorp Genetics (formerly Invitae), Labcorp
Classification: Uncertain significance for Progressive sclerosing poliodystrophy. Last evaluated: 2025-06-24. Review status: criteria provided, single submitter. Criteria: Invitae Variant Classification Sherloc (09022015). Collection method: clinical testing. Allele origin: germline.
Comment: This sequence change affects codon 511 of the POLG mRNA. It is a 'silent' change, meaning that it does not change the encoded amino acid sequence of the POLG protein. This variant is present in population databases (no rsID available, gnomAD 0.0009%). This variant has not been reported in the literature in individuals affected with POLG-related conditions. ClinVar contains an entry for this variant (Variation ID: 2974889). Algorithms developed to predict the effect of sequence changes on RNA splicing suggest that this variant may disrupt the consensus splice site. In summary, the available evidence is currently insufficient to determine the role of this variant in disease. Therefore, it has been classified as a Variant of Uncertain Significance.

NM_002693.3(POLG):c.1533C>T (p.Ser511=)

Gene: POLG (DNA polymerase gamma, catalytic subunit; minus strand). Cytogenetic location: 15q26.1.
Variant type: single nucleotide variant.
Coding change: c.1533C>T on transcript NM_002693.3 (MANE Select); coding-DNA position 1533, C replaced by T.
Protein change: p.Ser511=; no amino-acid change (serine 511 retained).
Molecular consequence: synonymous variant.
Genome position (GRCh38, 1-based): chr15:89,326,964, G>A on the plus strand (C>T on the coding strand, the complement: POLG is on the minus strand). VCF-style: chr15-89326964-G-A. GRCh37 (hg19) VCF-style: chr15-89870195-G-A.
Other names: c.1533C>T, p.Ser511= (NM_001126131.2).
Identifiers: ClinVar variation 2974889 (VCV002974889.3), dbSNP rs1225524682, ClinGen allele CA492289569.
Genomic context (GRCh38, chr15:89,326,964, plus strand): 5'-CTCCCCACCTTCCTGATCCATGGGATCACCAGGGGCCCCAGCCCCCTCGATGGGCAACTT[G>A]CTGGCTGTGGCTGGTTCCTTCTTCACCTTCTTAGCTTTCTTCTGCTTAAATTCTTGCAGG-3'
Protein context (NP_002684.1, residues 501-521): KKVKKEPATA[Ser511=]KLPIEGAGAP